The following is an entry in ClinVar:

ClinVar aggregate classification (germline): Uncertain significance. Review status: criteria provided, multiple submitters, no conflicts (2 of 4 stars). 3 submissions from 3 submitters: Uncertain significance (3). Last evaluated 2026-08-01.

gnomAD v4.1: 66 of 1,597,786 alleles (0.0041%); highest among the groups gnomAD compares: Non-Finnish European, 0.0054%; no homozygotes.

Submissions (3):

CeGaT Center for Human Genetics Tuebingen
Classification: Uncertain significance. Last evaluated: 2026-08-01. Review status: criteria provided, single submitter. Criteria: CeGaT Center For Human Genetics Tuebingen Variant Classification Criteria Version 2. Collection method: clinical testing. Allele origin: germline. Affected: yes. Observed: 2 variant alleles.
Comment: OTOGL: PM2

Blueprint Genetics
Classification: Uncertain significance. Last evaluated: 2024-09-05. Review status: criteria provided, single submitter. Criteria: ACMG Guidelines, 2015. Collection method: clinical testing. Allele origin: germline.

Labcorp Genetics (formerly Invitae), Labcorp
Classification: Uncertain significance. Last evaluated: 2024-07-10. Review status: criteria provided, single submitter. Criteria: Invitae Variant Classification Sherloc (09022015). Collection method: clinical testing. Allele origin: germline.
Comment: This sequence change replaces tyrosine, which is neutral and polar, with histidine, which is basic and polar, at codon 130 of the OTOGL protein (p.Tyr130His). This variant is present in population databases (rs367945578, gnomAD 0.008%). This variant has not been reported in the literature in individuals affected with OTOGL-related conditions. An algorithm developed to predict the effect of missense changes on protein structure and function (PolyPhen-2) suggests that this variant is likely to be disruptive. In summary, the available evidence is currently insufficient to determine the role of this variant in disease. Therefore, it has been classified as a Variant of Uncertain Significance.

NM_001378609.3(OTOGL):c.415T>C (p.Tyr139His)

Gene: OTOGL (otogelin like; plus strand). Cytogenetic location: 12q21.31.
Variant type: single nucleotide variant.
Coding change: c.415T>C on transcript NM_001378609.3 (MANE Select); coding-DNA position 415, T replaced by C.
Protein change: p.Tyr139His; replaces tyrosine 139 with histidine.
Molecular consequence: missense variant.
Genome position (GRCh38, 1-based): chr12:80,222,171, T>C. VCF-style: chr12-80222171-T-C. GRCh37 (hg19) VCF-style: chr12-80615951-T-C.
Other names: c.415T>C, p.Tyr139His (NM_001368062.3, NM_001378610.3, NM_173591.7); short protein forms Y139H.
Identifiers: ClinVar variation 3665107 (VCV003665107.10).
Genomic context (GRCh38, chr12:80,222,171, plus strand): 5'-AGAGATGGGATTTGTAAAACCTGGGGACAGTATCATTTTGAAACATTCGATGGCATCTAC[T>C]ATTACTTCCCAGGAAACTGTTCTTACATTTTTGCAAAGGACTGTGGTGATTTGGAGCCTC-3'
Protein context (NP_001365538.2, residues 129-149): YHFETFDGIY[Tyr139His]YFPGNCSYIF